The following is an entry in ClinVar:

NM_019112.4(ABCA7):c.1954C>T (p.Arg652Cys)

Gene: ABCA7 (ATP binding cassette subfamily A member 7; plus strand). Cytogenetic location: 19p13.3.
Variant type: single nucleotide variant.
Coding change: c.1954C>T on transcript NM_019112.4 (MANE Select); coding-DNA position 1954, C replaced by T.
Protein change: p.Arg652Cys; replaces arginine 652 with cysteine.
Molecular consequence: missense variant.
Genome position (GRCh38, 1-based): chr19:1,047,265, C>T. VCF-style: chr19-1047265-C-T. GRCh37 (hg19) VCF-style: chr19-1047264-C-T.
Other names: short protein forms R652C.
Identifiers: ClinVar variation 3522560 (VCV003522560.2).

ClinVar aggregate classification (germline): Uncertain significance. Review status: criteria provided, multiple submitters, no conflicts (2 of 4 stars). 2 submissions from 2 submitters: Uncertain significance (2). Last evaluated 2025-05-05.

Submissions (2):

Women's Health and Genetics/Laboratory Corporation of America, LabCorp
Classification: Uncertain significance. Last evaluated: 2025-05-05. Review status: criteria provided, single submitter. Criteria: LabCorp Variant Classification Summary - May 2015. Collection method: clinical testing. Allele origin: germline.
Comment: Variant summary: ABCA7 c.1954C>T (p.Arg652Cys) results in a non-conservative amino acid change in the encoded protein sequence. Algorithms developed to predict the effect of missense changes on protein structure and function are either unavailable or do not agree on the potential impact of this missense change. The variant allele was found at a frequency of 4.2e-06 in 238406 control chromosomes (gnomAD). The available data on variant occurrences in the general population are insufficient to allow any conclusion about variant significance. To our knowledge, no occurrence of c.1954C>T in individuals affected with Alzheimer Disease, Type 9 and no experimental evidence demonstrating its impact on protein function have been reported. No submitters have cited clinical-significance assessments for this variant to ClinVar. Based on the evidence outlined above, the variant was classified as uncertain significance.

Ambry Genetics
Classification: Uncertain significance. Last evaluated: 2024-08-05. Review status: criteria provided, single submitter. Criteria: Ambry Variant Classification Scheme 2023. Collection method: clinical testing. Allele origin: germline.